The following is an entry in ClinVar:

ClinVar aggregate classification (germline): Uncertain significance (1 of 4 stars; one submission).

Conditions:
Developmental and epileptic encephalopathy, 34 (DEE34). Also called: SLC12A5-Related Epilepsy of Infancy with Migrating Focal Seizures; Early infantile epileptic encephalopathy 34. Identifiers: Orphanet 293181, MedGen C4225257, MONDO:0014718, OMIM 616645.

Submission:

Labcorp Genetics (formerly Invitae), Labcorp
Classification: Uncertain significance for Developmental and epileptic encephalopathy, 34. Last evaluated: 2022-04-20. Review status: criteria provided, single submitter. Criteria: Invitae Variant Classification Sherloc (09022015). Collection method: clinical testing. Allele origin: germline.
Comment: This variant has not been reported in the literature in individuals affected with SLC12A5-related conditions. In summary, the available evidence is currently insufficient to determine the role of this variant in disease. Therefore, it has been classified as a Variant of Uncertain Significance. Variants that disrupt the consensus splice site are a relatively common cause of aberrant splicing (PMID: 17576681, 9536098). Algorithms developed to predict the effect of sequence changes on RNA splicing suggest that this variant may disrupt the consensus splice site. This variant is not present in population databases (gnomAD no frequency). This sequence change affects codon 970 of the SLC12A5 mRNA. It is a 'silent' change, meaning that it does not change the encoded amino acid sequence of the SLC12A5 protein. This variant also falls at the last nucleotide of exon 22, which is part of the consensus splice site for this exon.

Literature cited by the submitters: PubMed 17576681; PubMed 9536098.

NM_020708.5(SLC12A5):c.2910G>A (p.Glu970=)

Gene: SLC12A5 (solute carrier family 12 member 5; plus strand). Cytogenetic location: 20q13.12.
Variant type: single nucleotide variant.
Coding change: c.2910G>A on transcript NM_020708.5 (MANE Select); coding-DNA position 2910, G replaced by A.
Protein change: p.Glu970=; no amino-acid change (glutamic acid 970 retained).
Molecular consequence: synonymous variant.
Genome position (GRCh38, 1-based): chr20:46,056,272, G>A. VCF-style: chr20-46056272-G-A. GRCh37 (hg19) VCF-style: chr20-44684911-G-A.
Other names: c.2979G>A, p.Glu993= (NM_001134771.2).
Identifiers: ClinVar variation 2128394 (VCV002128394.4), dbSNP rs2515653641, ClinGen allele CA510754998.